The following is an entry in ClinVar:

NM_001754.5(RUNX1):c.*3557C>T

Gene: RUNX1 (RUNX family transcription factor 1; minus strand). Cytogenetic location: 21q22.12.
Variant type: single nucleotide variant.
Coding change: c.*3557C>T on transcript NM_001754.5 (MANE Select); 3557 bases downstream of the stop codon, C replaced by T.
Molecular consequence: 3 prime UTR variant.
Genome position (GRCh38, 1-based): chr21:34,788,578, G>A on the plus strand (C>T on the coding strand, the complement: RUNX1 is on the minus strand). VCF-style: chr21-34788578-G-A. GRCh37 (hg19) VCF-style: chr21-36160875-G-A.
Other names: c.*3557C>T (NM_001001890.3).
Identifiers: ClinVar variation 897570 (VCV000897570.5), dbSNP rs1046862110, ClinGen allele CA320248552.
Genomic context (GRCh38, chr21:34,788,578, plus strand): 5'-TAGCAAACCTAAGAAAAAGTCCTTAGAAACACACACAAAAAAATTGAAAAAAAGTTATAG[G>A]CATTAACAATATTTTATAATGAAGCTTAAAATCTATTTACATACATAAATACAATTAACT-3'

ClinVar aggregate classification (germline): Uncertain significance. Review status: reviewed by expert panel (3 of 4 stars). 2 submissions from 2 submitters: Uncertain significance (1). 1 of the submissions does not count toward it. Last evaluated 2024-11-13.

Conditions:
Hereditary thrombocytopenia and hematologic cancer predisposition syndrome. Identifiers: Orphanet 71290, MedGen CN281654, MONDO:0011071.
Hereditary thrombocytopenia and hematological cancer predisposition syndrome associated with RUNX1. Also called: PLATELET DISORDER, ASPIRIN-LIKE; RUNX1 Familial Platelet Disorder with Associated Myeloid Malignancies; Familial Platelet Disorder with Propensity to Acute Myelogenous Leukemia; Familial thrombocytopenia with propensity to acute myelogenous leukemia. Identifiers: Orphanet 71290, MedGen C1832388, MeSH C563324, MONDO:0100083, OMIM 601399.

Allele frequency attached by ClinVar (database versions not stated): gnomAD 0.00001; TOPMed 0.00003; gnomAD exomes 0.00007.
gnomAD v4.1: 6 of 232,740 alleles (0.0026%); highest among the groups gnomAD compares: Non-Finnish European, 0.0051%; no homozygotes.

Submissions (2):

ClinGen Myeloid Malignancy Variant Curation Expert Panel
Classification: Uncertain significance for Hereditary thrombocytopenia and hematologic cancer predisposition syndrome. Last evaluated: 2024-11-13. Review status: reviewed by expert panel. Criteria: ClinGen MyeloMalig ACMG Specifications v2. Collection method: curation. Allele origin: germline. Inheritance: Autosomal dominant inheritance.
Comment: NM_001754.5(RUNX1):c.*3557C>T is a 3' UTR change which does not meey any ACMg/AMP criteria. In summary, the clinical significance of this variant is uncertain. ACMG/AMP criteria applied, as specified by the Myeloid Malignancy Variant Curation Expert Panel for RUNX1: None.

Illumina Laboratory Services, Illumina
Classification: Uncertain significance for Hereditary thrombocytopenia and hematological cancer predisposition syndrome associated with RUNX1. Last evaluated: 2018-01-15. Review status: criteria provided, single submitter. Criteria: ICSL Variant Classification Criteria 13 December 2019. Collection method: clinical testing. Allele origin: germline. Not counted in ClinVar's aggregate classification.